The following is an entry in ClinVar:

NM_000263.4(NAGLU):c.93_103del (p.Val32fs)

Genes: NAGLU (N-acetyl-alpha-glucosaminidase; plus strand), LOC130060903 (ATAC-STARR-seq lymphoblastoid silent region 8533; plus strand). Cytogenetic location: 17q21.2.
Variant type: Deletion.
Coding change: c.93_103del on transcript NM_000263.4 (MANE Select); coding-DNA positions 93 to 103, 11 bases deleted (CGTGCGGGCGC).
Protein change: p.Val32fs; shifts the reading frame from valine 32.
Molecular consequence: frameshift variant.
Genome position (GRCh38, 1-based): chr17:42,536,365-42,536,375, CGTGCGGGCGC deleted; deleting any 11 consecutive bases within chr17:42,536,363-42,536,375 gives the same sequence; the c. name uses the placement nearest the transcript's 3' end. VCF-style (leftmost placement, unchanged base first): chr17-42536362-GGCCGTGCGGGC-G. GRCh37 (hg19) VCF-style: chr17-40688380-GGCCGTGCGGGC-G.
Other names: short protein forms V32fs.
Identifiers: ClinVar variation 5013196 (VCV005013196.1).

ClinVar aggregate classification (germline): Pathogenic (1 of 4 stars; one submission).

Conditions:
Mucopolysaccharidosis, MPS-III-B (MPS3B). Also called: N-ACETYL-ALPHA-D-GLUCOSAMINIDASE DEFICIENCY; NAGLU DEFICIENCY; SANFILIPPO SYNDROME B; MPS III B; MUCOPOLYSACCHARIDOSIS, TYPE IIIB; Mucopolysaccharidosis type IIIB (Sanfilippo B). Identifiers: Orphanet 79270, MedGen C0086648, MONDO:0009656, OMIM 252920.

Submission:

Myriad Genetics, Inc.
Classification: Pathogenic for Mucopolysaccharidosis, MPS-III-B. Last evaluated: 2024-06-18. Review status: criteria provided, single submitter. Criteria: Myriad Autosomal Dominant, Autosomal Recessive and X-Linked Classification Criteria (2023). Collection method: clinical testing. Allele origin: unknown.
Comment: NM_000263.3(NAGLU):c.93_103del11(V32Rfs*156) is expected to be pathogenic in the context of mucopolysaccharidosis type IIIB. This variant is predicted to lead to an abnormal or absent protein product due to the creation of a premature termination codon in NAGLU, a gene where loss-of-function variants are known to be pathogenic. Please note: this variant was assessed in the context of healthy population screening.